The following is an entry in ClinVar:

NM_000368.5(TSC1):c.210G>C (p.Lys70Asn)

Gene: TSC1 (TSC complex subunit 1; minus strand). Cytogenetic location: 9q34.13.
Variant type: single nucleotide variant.
Coding change: c.210G>C on transcript NM_000368.5 (MANE Select); coding-DNA position 210, G replaced by C.
Protein change: p.Lys70Asn; replaces lysine 70 with asparagine.
Molecular consequence: missense variant. On other transcripts: intron variant (1).
Genome position (GRCh38, 1-based): chr9:132,927,201, C>G on the plus strand (G>C on the coding strand, the complement: TSC1 is on the minus strand). VCF-style: chr9-132927201-C-G. GRCh37 (hg19) VCF-style: chr9-135802588-C-G.
Other names: c.210G>C, p.Lys70Asn (NM_001162426.2, NM_001162427.2); c.-153-1462G>C (NM_001362177.2); short protein forms K70N.
Identifiers: ClinVar variation 1024223 (VCV001024223.9), dbSNP rs1060503219, ClinGen allele CA375375018.

ClinVar aggregate classification (germline): Uncertain significance (1 of 4 stars; one submission).

Conditions:
Tuberous sclerosis 1 (TSC1). Identifiers: Orphanet 805, MedGen C1854465, MONDO:0008612, OMIM 191100.

Submission:

Labcorp Genetics (formerly Invitae), Labcorp
Classification: Uncertain significance for Tuberous sclerosis 1. Last evaluated: 2020-01-20. Review status: criteria provided, single submitter. Criteria: Invitae Variant Classification Sherloc (09022015). Collection method: clinical testing. Allele origin: germline.
Comment: In summary, the available evidence is currently insufficient to determine the role of this variant in disease. Therefore, it has been classified as a Variant of Uncertain Significance. Nucleotide substitutions within the consensus splice site are a relatively common cause of aberrant splicing (PMID: 17576681, 9536098). Algorithms developed to predict the effect of sequence changes on RNA splicing suggest that this variant may disrupt the consensus splice site, but this prediction has not been confirmed by published transcriptional studies. Algorithms developed to predict the effect of missense changes on protein structure and function are either unavailable or do not agree on the potential impact of this missense change (SIFT: "Tolerated"; PolyPhen-2: "Probably Damaging"; Align-GVGD: "Class C0"). This variant has not been reported in the literature in individuals with TSC1-related conditions. This variant is not present in population databases (ExAC no frequency). This sequence change replaces lysine with asparagine at codon 70 of the TSC1 protein (p.Lys70Asn). The lysine residue is highly conserved and there is a moderate physicochemical difference between lysine and asparagine. This variant also falls at the last nucleotide of exon 4 of the TSC1 coding sequence, which is part of the consensus splice site for this exon.

Literature cited by the submitters: PubMed 17576681; PubMed 9536098.